The following is an entry in ClinVar:

ClinVar aggregate classification (germline): Uncertain significance (1 of 4 stars; one submission).

Submission:

Ambry Genetics
Classification: Uncertain significance. Last evaluated: 2022-10-03. Review status: criteria provided, single submitter. Criteria: Ambry Variant Classification Scheme 2023. Collection method: clinical testing. Allele origin: germline.
Comment: The p.G195C variant (also known as c.583G>T), located in coding exon 1 of the MLH3 gene, results from a G to T substitution at nucleotide position 583. The glycine at codon 195 is replaced by cysteine, an amino acid with highly dissimilar properties. This amino acid position is conserved. In addition, the in silico prediction for this alteration is inconclusive. Since supporting evidence is limited at this time, the clinical significance of this alteration remains unclear.

NM_001040108.2(MLH3):c.583G>T (p.Gly195Cys)

Gene: MLH3 (mutL homolog 3; minus strand). Cytogenetic location: 14q24.3.
Variant type: single nucleotide variant.
Coding change: c.583G>T on transcript NM_001040108.2 (MANE Select); coding-DNA position 583, G replaced by T.
Protein change: p.Gly195Cys; replaces glycine 195 with cysteine.
Molecular consequence: missense variant.
Genome position (GRCh38, 1-based): chr14:75,049,073, C>A on the plus strand (G>T on the coding strand, the complement: MLH3 is on the minus strand). VCF-style: chr14-75049073-C-A. GRCh37 (hg19) VCF-style: chr14-75515776-C-A.
Other names: c.583G>T, p.Gly195Cys (NM_014381.3); short protein forms G195C.
Identifiers: ClinVar variation 1750014 (VCV001750014.2), dbSNP rs2503323318, ClinGen allele CA390449839.